The following is an entry in ClinVar:

ClinVar aggregate classification (germline): Conflicting classifications of pathogenicity. Review status: criteria provided, conflicting classifications (1 of 4 stars). 2 submissions from 2 submitters: Uncertain significance (1); Likely benign (1). Last evaluated 2025-08-12.

Conditions:
Hereditary cancer-predisposing syndrome. Also called: Neoplastic Syndromes, Hereditary; Tumor predisposition; Hereditary neoplastic syndrome; Hereditary Cancer Syndrome. Identifiers: Orphanet 140162, MedGen C0027672, MeSH D009386, MONDO:0015356.
Hereditary breast ovarian cancer syndrome. Also called: BRCA1- and BRCA2-Associated Hereditary Breast and Ovarian Cancer; Hereditary breast and ovarian cancer; Hereditary breast and ovarian cancer syndrome (HBOC); Hereditary breast and ovarian cancer syndrome; Hereditary breast and/or ovarian cancer syndrome; Breast and ovarian cancer. Identifiers: Orphanet 145, MedGen C0677776, MeSH D061325, MONDO:0003582. Disease mechanism: loss of function.

Submissions (2):

Ambry Genetics
Classification: Likely benign for Hereditary cancer-predisposing syndrome. Last evaluated: 2025-08-12. Review status: criteria provided, single submitter. Criteria: Ambry Variant Classification Scheme 2023. Collection method: clinical testing. Allele origin: germline.

Labcorp Genetics (formerly Invitae), Labcorp
Classification: Uncertain significance for Hereditary breast ovarian cancer syndrome. Last evaluated: 2024-11-27. Review status: criteria provided, single submitter. Criteria: Invitae Variant Classification Sherloc (09022015). Collection method: clinical testing. Allele origin: germline.
Comment: This sequence change replaces arginine, which is basic and polar, with lysine, which is basic and polar, at codon 316 of the BRCA2 protein (p.Arg316Lys). This variant is not present in population databases (gnomAD no frequency). This variant has not been reported in the literature in individuals affected with BRCA2-related conditions. ClinVar contains an entry for this variant (Variation ID: 2697847). Invitae Evidence Modeling of protein sequence and biophysical properties (such as structural, functional, and spatial information, amino acid conservation, physicochemical variation, residue mobility, and thermodynamic stability) indicates that this missense variant is not expected to disrupt BRCA2 protein function with a negative predictive value of 95%. In summary, the available evidence is currently insufficient to determine the role of this variant in disease. Therefore, it has been classified as a Variant of Uncertain Significance.

NM_000059.4(BRCA2):c.947G>A (p.Arg316Lys)

Gene: BRCA2 (BRCA2 DNA repair associated; plus strand). Cytogenetic location: 13q13.1.
Variant type: single nucleotide variant.
Coding change: c.947G>A on transcript NM_000059.4 (MANE Select); coding-DNA position 947, G replaced by A.
Protein change: p.Arg316Lys; replaces arginine 316 with lysine.
Molecular consequence: missense variant. On other transcripts: non-coding transcript variant (1), intron variant (1).
Genome position (GRCh38, 1-based): chr13:32,332,425, G>A. VCF-style: chr13-32332425-G-A. GRCh37 (hg19) VCF-style: chr13-32906562-G-A.
Other names: c.947G>A, p.Arg316Lys (NM_001406719.1, NM_001406720.1, NM_001406721.1); c.424+1395G>A (NM_001406722.1); short protein forms R316K.
Identifiers: ClinVar variation 2697847 (VCV002697847.4), dbSNP rs2137466128, ClinGen allele CA387760830.